The following is an entry in ClinVar:

NM_006031.6(PCNT):c.7162C>T (p.Arg2388Cys)

Gene: PCNT (pericentrin; plus strand). Cytogenetic location: 21q22.3.
Variant type: single nucleotide variant.
Coding change: c.7162C>T on transcript NM_006031.6 (MANE Select); coding-DNA position 7162, C replaced by T.
Protein change: p.Arg2388Cys; replaces arginine 2388 with cysteine.
Molecular consequence: missense variant.
Genome position (GRCh38, 1-based): chr21:46,422,107, C>T. VCF-style: chr21-46422107-C-T. GRCh37 (hg19) VCF-style: chr21-47842021-C-T.
Other names: c.6808C>T, p.Arg2270Cys (NM_001315529.2); short protein forms R2388C, R2270C.
Identifiers: ClinVar variation 388178 (VCV000388178.8), dbSNP rs201562329, ClinGen allele CA10080534.

ClinVar aggregate classification (germline): Conflicting classifications of pathogenicity. Review status: criteria provided, conflicting classifications (1 of 4 stars). 3 submissions from 3 submitters: Uncertain significance (2); Likely benign (1). Last evaluated 2025-07-14.

Conditions:
PCNT-related disorder. Also called: PCNT-related condition.

Allele frequency attached by ClinVar (database versions not stated): TOPMed 0.00011; 1000 Genomes Project 30x 0.00016.
gnomAD v4.1: 100 of 1,613,780 alleles (0.0062%); highest among the groups gnomAD compares: African/African-American, 0.019%; no homozygotes.

Submissions (3):

PreventionGenetics, part of Exact Sciences
Classification: Uncertain significance for PCNT-related condition. Last evaluated: 2025-07-14. Review status: criteria provided, single submitter. Criteria: ACMG Guidelines, 2015. Collection method: clinical testing. Allele origin: germline.
Comment: The PCNT c.7162C>T variant is predicted to result in the amino acid substitution p.Arg2388Cys. To our knowledge, this variant has not been reported in the literature. This variant is reported in 0.016% of alleles in individuals of African descent in gnomAD. At this time, the clinical significance of this variant is uncertain due to the absence of conclusive functional and genetic evidence.

Labcorp Genetics (formerly Invitae), Labcorp
Classification: Uncertain significance. Last evaluated: 2022-07-14. Review status: criteria provided, single submitter. Criteria: Invitae Variant Classification Sherloc (09022015). Collection method: clinical testing. Allele origin: germline.
Comment: This sequence change replaces arginine, which is basic and polar, with cysteine, which is neutral and slightly polar, at codon 2388 of the PCNT protein (p.Arg2388Cys). This variant is present in population databases (rs201562329, gnomAD 0.02%). This variant has not been reported in the literature in individuals affected with PCNT-related conditions. ClinVar contains an entry for this variant (Variation ID: 388178). Algorithms developed to predict the effect of missense changes on protein structure and function (SIFT, PolyPhen-2, Align-GVGD) all suggest that this variant is likely to be tolerated. In summary, the available evidence is currently insufficient to determine the role of this variant in disease. Therefore, it has been classified as a Variant of Uncertain Significance.

GeneDx
Classification: Likely benign. Last evaluated: 2016-08-05. Review status: criteria provided, single submitter. Criteria: GeneDx Variant Classification (06012015). Collection method: clinical testing. Allele origin: germline. Affected: yes.
Comment: This variant is considered likely benign or benign based on one or more of the following criteria: it is a conservative change, it occurs at a poorly conserved position in the protein, it is predicted to be benign by multiple in silico algorithms, and/or has population frequency not consistent with disease.